The following is an entry in ClinVar:

ClinVar aggregate classification (germline): Uncertain significance (1 of 4 stars; one submission).

Conditions:
Inborn genetic diseases. Identifiers: MedGen C0950123, MeSH D030342.

Submission:

Ambry Genetics
Classification: Uncertain significance for Inborn genetic diseases. Last evaluated: 2022-12-15. Review status: criteria provided, single submitter. Criteria: Ambry Variant Classification Scheme 2023. Collection method: clinical testing. Allele origin: germline.
Comment: The p.G304S variant (also known as c.910G>A), located in coding exon 9 of the MDH2 gene, results from a G to A substitution at nucleotide position 910. The glycine at codon 304 is replaced by serine, an amino acid with similar properties. This amino acid position is conserved. In addition, the in silico prediction for this alteration is inconclusive. Since supporting evidence is limited at this time, the clinical significance of this alteration remains unclear.

NM_005918.4(MDH2):c.910G>A (p.Gly304Ser)

Gene: MDH2 (malate dehydrogenase 2; plus strand). Cytogenetic location: 7q11.23.
Variant type: single nucleotide variant.
Coding change: c.910G>A on transcript NM_005918.4 (MANE Select); coding-DNA position 910, G replaced by A.
Protein change: p.Gly304Ser; replaces glycine 304 with serine.
Molecular consequence: missense variant.
Genome position (GRCh38, 1-based): chr7:76,066,303, G>A. VCF-style: chr7-76066303-G-A. GRCh37 (hg19) VCF-style: chr7-75695621-G-A.
Other names: c.784G>A, p.Gly262Ser (NM_001282403.2); c.589G>A, p.Gly197Ser (NM_001282404.2); short protein forms G197S, G262S, G304S.
Identifiers: ClinVar variation 2447834 (VCV002447834.2), dbSNP rs2535875584, ClinGen allele CA367769708.